The following is an entry in ClinVar:

NM_153717.3(EVC):c.*1439C>T

Gene: EVC (EvC ciliary complex subunit 1; plus strand). Cytogenetic location: 4p16.2.
Variant type: single nucleotide variant.
Coding change: c.*1439C>T on transcript NM_153717.3 (MANE Select); 1439 bases downstream of the stop codon, C replaced by T.
Molecular consequence: 3 prime UTR variant.
Genome position (GRCh38, 1-based): chr4:5,812,476, C>T. VCF-style: chr4-5812476-C-T. GRCh37 (hg19) VCF-style: chr4-5814203-C-T.
Other names: c.*1439C>T (NM_001306090.2).
Identifiers: ClinVar variation 349250 (VCV000349250.30), dbSNP rs188270163, ClinGen allele CA10621410.

ClinVar aggregate classification (germline): Likely benign. Review status: criteria provided, multiple submitters, no conflicts (2 of 4 stars). 3 submissions from 3 submitters: Likely benign (3). Last evaluated 2023-01-01.

Conditions:
Ellis-van Creveld syndrome (EVC). Also called: Chondroectodermal dysplasia; MESOECTODERMAL DYSPLASIA. Identifiers: Orphanet 289, MedGen C0013903, MONDO:0009162, OMIM 225500.

Allele frequency attached by ClinVar (database versions not stated): gnomAD exomes 0.00310; 1000 Genomes Project 0.00359; 1000 Genomes Project 30x 0.00406.

Submissions (3):

CeGaT Center for Human Genetics Tuebingen
Classification: Likely benign. Last evaluated: 2023-01-01. Review status: criteria provided, single submitter. Criteria: CeGaT Center For Human Genetics Tuebingen Variant Classification Criteria Version 2. Collection method: clinical testing. Allele origin: germline. Affected: yes. Observed: 1 variant allele.
Comment: EVC: BS2

Illumina Laboratory Services, Illumina
Classification: Likely benign for Ellis-van Creveld syndrome. Last evaluated: 2018-01-13. Review status: criteria provided, single submitter. Criteria: ICSL Variant Classification Criteria 13 December 2019. Collection method: clinical testing. Allele origin: germline.
Comment: This variant was observed in the ICSL laboratory as part of a predisposition screen in an ostensibly healthy population. It had not been previously curated by ICSL or reported in the Human Gene Mutation Database (HGMD: prior to June 1st, 2018), and was therefore a candidate for classification through an automated scoring system. Utilizing variant allele frequency, disease prevalence and penetrance estimates, and inheritance mode, an automated score was calculated to assess if this variant is too frequent to cause the disease. Based on the score and internal cut-off values, a variant classified as likely benign is not then subjected to further curation. The score for this variant resulted in a classification of likely benign for this disease.

Breakthrough Genomics
Classification: Likely benign. Review status: criteria provided, single submitter. Criteria: ACMG Guidelines, 2015. Collection method: not provided. Allele origin: germline. Inheritance: Autosomal recessive inheritance. Affected: yes.